The following is an entry in ClinVar:

NM_001037582.3(SCD5):c.422A>G (p.Asp141Gly)

Gene: SCD5 (stearoyl-CoA desaturase 5; minus strand). Cytogenetic location: 4q21.22.
Variant type: single nucleotide variant.
Coding change: c.422A>G on transcript NM_001037582.3 (MANE Select); coding-DNA position 422, A replaced by G.
Protein change: p.Asp141Gly; replaces aspartic acid 141 with glycine.
Molecular consequence: missense variant.
Genome position (GRCh38, 1-based): chr4:82,680,854, T>C on the plus strand (A>G on the coding strand, the complement: SCD5 is on the minus strand). VCF-style: chr4-82680854-T-C. GRCh37 (hg19) VCF-style: chr4-83602007-T-C.
Other names: c.422A>G, p.Asp141Gly (NM_024906.3); short protein forms D141G.
Identifiers: ClinVar variation 2654845 (VCV002654845.24), dbSNP rs1426661043, ClinGen allele CA357320212.
Genomic context (GRCh38, chr4:82,680,854, plus strand): 5'-ACAAACAGCCACCCAATATGGGAGAAGAAGAAGCCCCGGCGGGCATTGTGGGGGTCAGCA[T>C]CCGTCTCTGAGTACTTGTGGTGGGCTCGGTGGTCCCTGGACCACTCGAAGATGTCATTCT-3'
Protein context (NP_001032671.2, residues 131-151): HRAHHKYSET[Asp141Gly]ADPHNARRGF

ClinVar aggregate classification (germline): Uncertain significance (1 of 4 stars; one submission).

Submission:

CeGaT Center for Human Genetics Tuebingen
Classification: Uncertain significance. Last evaluated: 2023-09-01. Review status: criteria provided, single submitter. Criteria: CeGaT Center For Human Genetics Tuebingen Variant Classification Criteria Version 2. Collection method: clinical testing. Allele origin: germline. Affected: yes. Observed: 1 variant allele.
Comment: SCD5: PM2